The following is an entry in ClinVar:

NM_000545.8(HNF1A):c.1602C>T (p.Ala534=)

Gene: HNF1A (HNF1 homeobox A; plus strand). Cytogenetic location: 12q24.31.
Variant type: single nucleotide variant.
Coding change: c.1602C>T on transcript NM_000545.8 (MANE Select); coding-DNA position 1602, C replaced by T.
Protein change: p.Ala534=; no amino-acid change (alanine 534 retained).
Molecular consequence: synonymous variant.
Genome position (GRCh38, 1-based): chr12:120,999,368, C>T. VCF-style: chr12-120999368-C-T. GRCh37 (hg19) VCF-style: chr12-121437171-C-T.
Other names: c.1602C>T, p.Ala534= (NM_001306179.2); c.1410C>T, p.Ala470= (NM_001406915.1); c.1602C>T (NM_000545.6).
Identifiers: ClinVar variation 2038638 (VCV002038638.8), dbSNP rs368694878, ClinGen allele CA6832119.

ClinVar aggregate classification (germline): Likely benign. Review status: criteria provided, multiple submitters, no conflicts (2 of 4 stars). 3 submissions from 3 submitters: Likely benign (2). 1 of the submissions does not count toward it. Last evaluated 2026-01-28.

Conditions:
HNF1A-related disorder. Also called: HNF1A-related condition.
Maturity-onset diabetes of the young (MODY). Also called: Maturity onset diabetes mellitus in young. Identifiers: Orphanet 552, MedGen C0342276, MONDO:0018911, HP:0004904.

Allele frequency attached by ClinVar (database versions not stated): ExAC 0.00001; gnomAD exomes 0.00001; gnomAD 0.00005; TOPMed 0.00008; ESP Exome Variant Server 0.00015.
gnomAD v4.1: 24 of 1,613,958 alleles (0.0015%); highest among the groups gnomAD compares: African/African-American, 0.029%; no homozygotes.

Submissions (3):

Labcorp Genetics (formerly Invitae), Labcorp
Classification: Likely benign. Last evaluated: 2026-01-28. Review status: criteria provided, single submitter. Criteria: Invitae Variant Classification Sherloc (09022015). Collection method: clinical testing. Allele origin: germline.

Ambry Genetics
Classification: Likely benign for Maturity-onset diabetes of the young. Last evaluated: 2023-09-05. Review status: criteria provided, single submitter. Criteria: Ambry Variant Classification Scheme 2023. Collection method: clinical testing. Allele origin: germline.

PreventionGenetics, part of Exact Sciences
Classification: Likely benign for HNF1A-related condition. Last evaluated: 2019-08-28. Review status: no assertion criteria provided. Collection method: clinical testing. Allele origin: germline. Not counted in ClinVar's aggregate classification.
Comment: This variant is classified as likely benign based on ACMG/AMP sequence variant interpretation guidelines (Richards et al. 2015 PMID: 25741868, with internal and published modifications).